The following is an entry in ClinVar:

NM_080424.4(SP110):c.1933del (p.Leu645fs)

Gene: SP110 (SP110 nuclear body protein; minus strand). Cytogenetic location: 2q37.1.
Variant type: Deletion.
Coding change: c.1933del on transcript NM_080424.4 (MANE Select); coding-DNA position 1933, one base deleted (C; older notation c.1933delC).
Protein change: p.Leu645fs; shifts the reading frame from leucine 645.
Molecular consequence: frameshift variant. On other transcripts: intron variant (1).
Genome position (GRCh38, 1-based): chr2:230,170,716, G deleted on the plus strand (C on the coding strand, the reverse complement: SP110 is on the minus strand); the first of 2 consecutive G bases (chr2:230,170,716-230,170,717); deleting either gives the same sequence. VCF-style (leftmost placement, unchanged base first): chr2-230170715-AG-A. GRCh37 (hg19) VCF-style: chr2-231035431-AG-A.
Other names: c.2029del, p.Leu677fs (NM_001378442.1); c.2011del, p.Leu671fs (NM_001378443.1); c.1951del, p.Leu651fs (NM_001378444.1); c.1879del, p.Leu627fs (NM_001378445.1); c.1861del, p.Leu621fs (NM_004509.5); c.1833+1350del (NM_001378446.1); short protein forms L645fs, L677fs, L627fs, L621fs, L651fs, L671fs.
Identifiers: ClinVar variation 1451662 (VCV001451662.6), dbSNP rs2106343198, ClinGen allele CA2573135414.

ClinVar aggregate classification (germline): Pathogenic (1 of 4 stars; one submission).

Conditions:
Hepatic veno-occlusive disease-immunodeficiency syndrome. Also called: Hepatic Veno-Occlusive Disease with Immunodeficiency. Identifiers: Orphanet 79124, MedGen C1856128, MONDO:0009338, OMIM 235550. Disease mechanism: loss of function.

Submission:

Labcorp Genetics (formerly Invitae), Labcorp
Classification: Pathogenic for Hepatic veno-occlusive disease-immunodeficiency syndrome. Last evaluated: 2022-07-19. Review status: criteria provided, single submitter. Criteria: Invitae Variant Classification Sherloc (09022015). Collection method: clinical testing. Allele origin: germline.
Comment: For these reasons, this variant has been classified as Pathogenic. ClinVar contains an entry for this variant (Variation ID: 1451662). This variant has not been reported in the literature in individuals affected with SP110-related conditions. This variant is not present in population databases (gnomAD no frequency). This sequence change creates a premature translational stop signal (p.Leu621Trpfs*6) in the SP110 gene. It is expected to result in an absent or disrupted protein product. Loss-of-function variants in SP110 are known to be pathogenic (PMID: 16648851, 22621957).

Literature cited by the submitters: PubMed 16648851; PubMed 22621957.